The following is an entry in ClinVar:

NM_198253.3(TERT):c.1891C>T (p.Arg631Trp)

Gene: TERT (telomerase reverse transcriptase; minus strand). Cytogenetic location: 5p15.33.
Variant type: single nucleotide variant.
Coding change: c.1891C>T on transcript NM_198253.3 (MANE Select); coding-DNA position 1891, C replaced by T.
Protein change: p.Arg631Trp; replaces arginine 631 with tryptophan.
Molecular consequence: missense variant. On other transcripts: non-coding transcript variant (2).
Genome position (GRCh38, 1-based): chr5:1,280,217, G>A on the plus strand (C>T on the coding strand, the complement: TERT is on the minus strand). VCF-style: chr5-1280217-G-A. GRCh37 (hg19) VCF-style: chr5-1280332-G-A.
Other names: p.Arg631Trp; c.1891C>T, p.Arg631Trp (NM_001193376.3); short protein forms R631W.
Identifiers: ClinVar variation 916675 (VCV000916675.43), dbSNP rs1194223999, ClinGen allele CA359081468.

ClinVar aggregate classification (germline): Pathogenic/Likely pathogenic. Review status: criteria provided, multiple submitters, no conflicts (2 of 4 stars). 8 submissions from 8 submitters: Pathogenic (4); Likely pathogenic (3). 1 of the submissions does not count toward it. Last evaluated 2026-04-17.

Conditions:
TERT-related disorder. Also called: TERT-related disorders; TERT-related condition.
Idiopathic Pulmonary Fibrosis. Also called: Idiopathic fibrosing alveolitis, chronic form; idiopathic fibrosing alveolitis. Identifiers: Orphanet 2032, MedGen C1800706, MeSH D054990, MONDO:0800504.
Dyskeratosis congenita, autosomal dominant 2. Identifiers: MedGen C3151443, MONDO:0013521, OMIM 613989.
Dyskeratosis congenita. Identifiers: Orphanet 1775, MedGen C0265965, MONDO:0015780.
Pulmonary fibrosis. Identifiers: MedGen C0034069, MONDO:0002771, HP:0002206.
Acute myeloid leukemia (AML). Also called: Acute myeloid leukemia, adult; AML adult; Acute non-lymphocytic leukemia; Acute granulocytic leukemia; Leukemia, acute myeloid, somatic; Leukemia, acute myelogenous, somatic. Identifiers: Orphanet 519, MedGen C0023467, MeSH D015470, MONDO:0018874, OMIM 601626, HP:0004808. Disease mechanism: Constitutively activated FLT3.

Allele frequency attached by ClinVar (database versions not stated): gnomAD exomes below 0.00001; TOPMed below 0.00001.

Submissions (8):

PreventionGenetics, part of Exact Sciences
Classification: Pathogenic for TERT-related condition. Last evaluated: 2026-04-17. Review status: criteria provided, single submitter. Criteria: ACMG Guidelines, 2015. Collection method: clinical testing. Allele origin: germline.
Comment: The TERT c.1891C>T variant is predicted to result in the amino acid substitution p.Arg631Trp. This variant has been reported to segregate with dyskeratosis congenita in two families with multiple affected individuals (Table S6, Yang et al. 2022. PubMed ID: 34482403; Pereboeva et al. 2016. PubMed ID: 26859482) and in an individual with acute myeloid leukemia (Table 2, Singhal et al. 2021. PubMed ID: 33850299). This variant is predicted to alter splicing based on available splicing prediction programs (Alamut Visual v1.6.1). However, the use of computer prediction programs is not equivalent to functional evidence. A different nucleotide change affecting the same amino acid (p.Arg631Gln), has been reported to segregate with TERT-related disorders in multiple families (Table 1, Kirwan et al. 2009. PubMed ID: 19760749; Basel-Vanagaite et al. 2008. PubMed ID: 18460650; Figure 1, Fernandez et al. 2012. PubMed ID: 22853774; Figure 1, Collopy et al. 2015. PubMed ID: 26024875) and functional studies appeared to completely abolish telomerase activity and affected individuals had significantly short telomeres (Figure 2 and 4, Kirwan et al. 2009. PubMed ID: 19760749; Basel-Vanagaite et al. 2008. PubMed ID: 18460650). This variant is reported in 0.00088% of alleles in individuals of European (non-Finnish) descent in gnomAD. It is interpreted as likely pathogenic/pathogenic in ClinVar (ClinVar ID: 916675). This variant is interpreted as pathogenic.

Labcorp Genetics (formerly Invitae), Labcorp
Classification: Pathogenic for Dyskeratosis congenita, autosomal dominant 2; Idiopathic Pulmonary Fibrosis. Last evaluated: 2025-12-10. Review status: criteria provided, single submitter. Criteria: Invitae Variant Classification Sherloc (09022015). Collection method: clinical testing. Allele origin: germline.
Comment: This sequence change replaces arginine, which is basic and polar, with tryptophan, which is neutral and slightly polar, at codon 631 of the TERT protein (p.Arg631Trp). This variant is present in population databases (no rsID available, gnomAD 0.0009%). This missense change has been observed in individual(s) with dyskeratosis congenita (PMID: 26859482). It has also been observed to segregate with disease in related individuals. ClinVar contains an entry for this variant (Variation ID: 916675). Invitae Evidence Modeling of protein sequence and biophysical properties (such as structural, functional, and spatial information, amino acid conservation, physicochemical variation, residue mobility, and thermodynamic stability) indicates that this missense variant is expected to disrupt TERT protein function with a positive predictive value of 95%. This variant disrupts the p.Arg631 amino acid residue in TERT. Other variant(s) that disrupt this residue have been determined to be pathogenic (PMID: 18460650, 19760749, 22853774, 26024875). This suggests that this residue is clinically significant, and that variants that disrupt this residue are likely to be disease-causing. For these reasons, this variant has been classified as Pathogenic.

Mayo Clinic Laboratories, Mayo Clinic
Classification: Likely pathogenic. Last evaluated: 2024-07-03. Review status: criteria provided, single submitter. Criteria: ACMG Guidelines, 2015. Collection method: clinical testing. Allele origin: germline. Observed: 1 variant allele.
Comment: PP2, PP3, PM2, PM5, PS4_moderate

Blueprint Genetics
Classification: Pathogenic for TERT-related disorders. Last evaluated: 2022-07-20. Review status: criteria provided, single submitter. Criteria: ACMG Guidelines, 2015. Collection method: clinical testing. Allele origin: germline. Affected: yes. Observed: 3 variant alleles.

Godley laboratory, The University of Chicago
Classification: Pathogenic for Acute myeloid leukemia. Last evaluated: 2020-05-18. Review status: criteria provided, single submitter. Criteria: ACMG Guidelines, 2015. Collection method: clinical testing. Allele origin: germline. Inheritance: Autosomal dominant inheritance. Affected: yes. Observed: 1 heterozygote.
Comment: The following ACMG/AMP criteria were applied: PS1, PM1, PM5, PP2, PP3.

Ambry Genetics
Classification: Likely pathogenic for Dyskeratosis congenita. Last evaluated: 2019-06-17. Review status: criteria provided, single submitter. Criteria: Ambry Variant Classification Scheme 2023. Collection method: clinical testing. Allele origin: germline.
Comment: The p.R631W variant (also known as c.1891C>T), located in coding exon 4 of the TERT gene, results from a C to T substitution at nucleotide position 1891. The arginine at codon 631 is replaced by tryptophan, an amino acid with dissimilar properties. In our cohort, we have detected this alteration in two individuals with idiopathic pulmonary fibrosis.This variant has also been detected in 3 individuals in one family with dyskeratosis congenita (Pereboeva L et al. PLoS ONE, 2016 Feb;11:e0148793). In addition, another alteration at the same amino acid position, p.R631Q, has been described in a family of Iraqi Jewish origin with clinical features compatible with dyskeratosis congenita (Basel-Vanagaite L et al. Haematologica, 2008 Jun;93:943-4). Based on data from gnomAD, the T allele has an overall frequency of approximately <0.01% (1/251366). This amino acid position is highly conserved in available vertebrate species. In addition, this alteration is predicted to be deleterious by in silico analysis. Based on the majority of available evidence to date, this variant is likely to be pathogenic.

Genetic Services Laboratory, University of Chicago
Classification: Likely pathogenic. Last evaluated: 2019-01-16. Review status: criteria provided, single submitter. Criteria: ACMG Guidelines, 2015. Collection method: clinical testing. Allele origin: germline. Affected: yes.
Comment: DNA sequence analysis of the TERT gene demonstrated a sequence change, c.1891C>T, in exon 4 that results in an amino acid change, p.Arg631Trp. The p.Arg631Trp change affects a highly conserved amino acid residue located in a domain of the TERT protein that is known to be functional. The p.Arg631Trp substitution appears to be deleterious using several in-silico pathogenicity prediction tools (SIFT, PolyPhen2, Align GVGD, REVEL). This sequence change has been described in the gnomAD database in the heterozygous state in a single individual. The p.Arg631Trp change has been reported in the heterozygous state in three affected individuals from a three generation family with dyskeratosis congenita (PMID: 26859482). Additionally, a different pathogenic sequence change affecting the same amino acid residue (p.Arg631Gln) has been described in a family in which two individuals with the p.Arg631Gln change had a dyskeratosis congenita phenotype and two additional individuals with the p.Arg631Gln change had short telomeres but no overt clinical findings (PMID: 18460650 ).

Garcia Pulmonary Genetics Research Laboratory, Columbia University Irving Medical Center
Classification: Likely risk allele for Pulmonary fibrosis. Last evaluated: 2022-06-09. Review status: no assertion criteria provided. Collection method: research. Allele origin: germline. Affected: yes. Not counted in ClinVar's aggregate classification.
Comment: Leukocyte telomere length (by qPCR) less than 10th percentile age-adjusted

Literature cited by the submitters: PubMed 26859482 (cited by 3 submitters); PubMed 18460650 (cited by 3 submitters); PubMed 19760749 (cited by Labcorp Genetics (formerly Invitae), Labcorp and Mayo Clinic Laboratories, Mayo Clinic); PubMed 22853774 (cited by Labcorp Genetics (formerly Invitae), Labcorp and Mayo Clinic Laboratories, Mayo Clinic); PubMed 26024875 (cited by Labcorp Genetics (formerly Invitae), Labcorp and Mayo Clinic Laboratories, Mayo Clinic); PubMed 33850299 (cited by Mayo Clinic Laboratories, Mayo Clinic); PubMed 34482403 (cited by Mayo Clinic Laboratories, Mayo Clinic).